The following is an entry in ClinVar:

ClinVar aggregate classification (germline): Uncertain significance (1 of 4 stars; one submission).

Conditions:
NCOR2-related disorder. Also called: NCOR2-related condition.

gnomAD v4.1: 1 of 1,609,810 alleles (0.000062%); highest among the groups gnomAD compares: South Asian, 0.0011%; no homozygotes.

Submission:

PreventionGenetics, part of Exact Sciences
Classification: Uncertain significance for NCOR2-related condition. Last evaluated: 2026-01-26. Review status: criteria provided, single submitter. Criteria: ACMG Guidelines, 2015. Collection method: clinical testing. Allele origin: germline.
Comment: The NCOR2 c.3679G>T variant is predicted to result in the amino acid substitution p.Gly1227Cys. To our knowledge, this variant has not been reported in the literature. This variant is reported in 0.0033% of alleles in individuals of South Asian descent in gnomAD. At this time, the clinical significance of this variant is uncertain due to the absence of conclusive functional and genetic evidence.

NM_006312.6(NCOR2):c.3679G>T (p.Gly1227Cys)

Gene: NCOR2 (nuclear receptor corepressor 2; minus strand). Cytogenetic location: 12q24.31.
Variant type: single nucleotide variant.
Coding change: c.3679G>T on transcript NM_006312.6 (MANE Select); coding-DNA position 3679, G replaced by T.
Protein change: p.Gly1227Cys; replaces glycine 1227 with cysteine.
Molecular consequence: missense variant.
Genome position (GRCh38, 1-based): chr12:124,354,107, C>A on the plus strand (G>T on the coding strand, the complement: NCOR2 is on the minus strand). VCF-style: chr12-124354107-C-A. GRCh37 (hg19) VCF-style: chr12-124838653-C-A.
Other names: c.3649G>T, p.Gly1217Cys (NM_001077261.4, NM_001206654.2); short protein forms G1217C, G1227C.
Identifiers: ClinVar variation 4978218 (VCV004978218.1).
Genomic context (GRCh38, chr12:124,354,107, plus strand): 5'-CGTGCTGGTCCCAACCGTCCTTCCTGCCGCACCCCAGGACACCTACGTGGGTGATGGAGC[C>A]GCGGTATGTGATGGCGCTGTCCGAGGGCACCCGTGTGCTGGGAATGCCTTTGGTGATGCT-3'
Protein context (NP_006303.4, residues 1217-1237): VPSDSAITYR[Gly1227Cys]SITHGTPADV